The following is an entry in ClinVar:

ClinVar aggregate classification (germline): Likely benign (1 of 4 stars; one submission).

Submission:

CeGaT Center for Human Genetics Tuebingen
Classification: Likely benign. Last evaluated: 2026-09-01. Review status: criteria provided, single submitter. Criteria: CeGaT Center For Human Genetics Tuebingen Variant Classification Criteria Version 2. Collection method: clinical testing. Allele origin: germline. Affected: yes. Observed: 3 variant alleles.
Comment: ATN1: BP4, BP7, BS1

NM_001940.4(ATN1):c.2001G>C (p.Thr667=)

Gene: ATN1 (atrophin 1; plus strand). Cytogenetic location: 12p13.31.
Variant type: single nucleotide variant.
Coding change: c.2001G>C on transcript NM_001940.4 (MANE Select); coding-DNA position 2001, G replaced by C.
Protein change: p.Thr667=; no amino-acid change (threonine 667 retained).
Molecular consequence: synonymous variant.
Genome position (GRCh38, 1-based): chr12:6,937,268, G>C. VCF-style: chr12-6937268-G-C. GRCh37 (hg19) VCF-style: chr12-7046431-G-C.
Other names: c.2001G>C, p.Thr667= (NM_001007026.2, NM_001424176.1, NM_001424177.1 and 1 more transcripts); c.1998G>C, p.Thr666= (NM_001424179.1, NM_001424180.1); c.1977G>C, p.Thr659= (NM_001424182.1).
Identifiers: ClinVar variation 3778027 (VCV003778027.7).